The following is an entry in ClinVar:

ClinVar aggregate classification (germline): Uncertain significance (1 of 4 stars; one submission).

Conditions:
Inborn genetic diseases. Identifiers: MedGen C0950123, MeSH D030342.

Submission:

Ambry Genetics
Classification: Uncertain significance for Inborn genetic diseases. Last evaluated: 2023-04-18. Review status: criteria provided, single submitter. Criteria: Ambry Variant Classification Scheme 2023. Collection method: clinical testing. Allele origin: germline.
Comment: The p.E730Q variant (also known as c.2188G>C), located in coding exon 10 of the ATR gene, results from a G to C substitution at nucleotide position 2188. The glutamic acid at codon 730 is replaced by glutamine, an amino acid with highly similar properties. This amino acid position is conserved. In addition, this alteration is predicted to be tolerated by in silico analysis. Since supporting evidence is limited at this time, the clinical significance of this alteration remains unclear.

NM_001184.4(ATR):c.2188G>C (p.Glu730Gln)

Gene: ATR (ATR checkpoint kinase; minus strand). Cytogenetic location: 3q23.
Variant type: single nucleotide variant.
Coding change: c.2188G>C on transcript NM_001184.4 (MANE Select); coding-DNA position 2188, G replaced by C.
Protein change: p.Glu730Gln; replaces glutamic acid 730 with glutamine.
Molecular consequence: missense variant.
Genome position (GRCh38, 1-based): chr3:142,556,030, C>G on the plus strand (G>C on the coding strand, the complement: ATR is on the minus strand). VCF-style: chr3-142556030-C-G. GRCh37 (hg19) VCF-style: chr3-142274872-C-G.
Other names: c.1996G>C, p.Glu666Gln (NM_001354579.2); short protein forms E666Q, E730Q.
Identifiers: ClinVar variation 2561338 (VCV002561338.2), dbSNP rs1366535624, ClinGen allele CA354818806.